The following is an entry in ClinVar:

NM_015161.3(ARL6IP1):c.409-2A>G

Gene: ARL6IP1 (ARL6 interacting reticulophagy regulator 1; minus strand). Cytogenetic location: 16p12.3.
Variant type: single nucleotide variant.
Coding change: c.409-2A>G on transcript NM_015161.3 (MANE Select); the canonical splice acceptor site of the intron before coding-DNA position 409, A replaced by G.
Molecular consequence: splice acceptor variant.
Genome position (GRCh38, 1-based): chr16:18,794,685, T>C on the plus strand (A>G on the coding strand, the complement: ARL6IP1 is on the minus strand). VCF-style: chr16-18794685-T-C. GRCh37 (hg19) VCF-style: chr16-18806007-T-C.
Other names: c.322-2A>G (NM_001313858.1).
Identifiers: ClinVar variation 474862 (VCV000474862.9), dbSNP rs767874638, ClinGen allele CA7929457.

ClinVar aggregate classification (germline): Likely pathogenic (1 of 4 stars; one submission).

Conditions:
Hereditary spastic paraplegia 61. Also called: Spastic paraplegia 61, autosomal recessive. Identifiers: Orphanet 401780, MedGen C3810294, MONDO:0014304, OMIM 615685.

Allele frequency attached by ClinVar (database versions not stated): gnomAD exomes below 0.00001 and 0.00001; ExAC 0.00001; gnomAD 0.00001.
gnomAD v4.1: 7 of 1,609,492 alleles (0.00043%); highest among the groups gnomAD compares: Non-Finnish European, 0.00059%; no homozygotes.

Submission:

Labcorp Genetics (formerly Invitae), Labcorp
Classification: Likely pathogenic for Hereditary spastic paraplegia 61. Last evaluated: 2020-10-21. Review status: criteria provided, single submitter. Criteria: Invitae Variant Classification Sherloc (09022015). Collection method: clinical testing. Allele origin: germline.
Comment: This sequence change affects an acceptor splice site in intron 4 of the ARL6IP1 gene. It is expected to disrupt RNA splicing. Variants that disrupt the donor or acceptor splice site typically lead to a loss of protein function (PMID: 16199547), and loss-of-function variants in ARL6IP1 are known to be pathogenic (PMID: 24482476, 27848944, 28471035). This variant is present in population databases (rs767874638, ExAC 0.001%). This variant has not been reported in the literature in individuals with ARL6IP1-related conditions. In summary, the currently available evidence indicates that the variant is pathogenic, but additional data are needed to prove that conclusively. Therefore, this variant has been classified as Likely Pathogenic.

Literature cited by the submitters: PubMed 16199547; PubMed 24482476; PubMed 27848944; PubMed 28471035.